The following is an entry in ClinVar:

NM_002661.5(PLCG2):c.1414A>G (p.Lys472Glu)

Gene: PLCG2 (phospholipase C gamma 2; plus strand). Cytogenetic location: 16q23.3.
Variant type: single nucleotide variant.
Coding change: c.1414A>G on transcript NM_002661.5 (MANE Select); coding-DNA position 1414, A replaced by G.
Protein change: p.Lys472Glu; replaces lysine 472 with glutamic acid.
Molecular consequence: missense variant.
Genome position (GRCh38, 1-based): chr16:81,905,454, A>G. VCF-style: chr16-81905454-A-G. GRCh37 (hg19) VCF-style: chr16-81939059-A-G.
Other names: short protein forms K472E.
Identifiers: ClinVar variation 963135 (VCV000963135.9), dbSNP rs1909325738, ClinGen allele CA396899686.
Genomic context (GRCh38, chr16:81,905,454, plus strand): 5'-TCCCCTCAGCATAAGAAGCTGGGCCCCCGAGGCGATGTGGATGTCAACATGGAGGACAAG[A>G]AGGACGAACACAAGCAACAGGGGGAGCTGTACATGTGGGATTCCATTGACCAGGTGGGCC-3'
Protein context (NP_002652.2, residues 462-482): GDVDVNMEDK[Lys472Glu]DEHKQQGELY

ClinVar aggregate classification (germline): Uncertain significance (1 of 4 stars; one submission).

Conditions:
Familial cold autoinflammatory syndrome 3 (FCAS3). Also called: FAMILIAL ATYPICAL COLD URTICARIA; ANTIBODY DEFICIENCY AND IMMUNE DYSREGULATION, PLCG2-ASSOCIATED. Identifiers: Orphanet 300359, MedGen C3280914, MONDO:0013766, OMIM 614468.

Submission:

Labcorp Genetics (formerly Invitae), Labcorp
Classification: Uncertain significance for Familial cold autoinflammatory syndrome 3. Last evaluated: 2019-07-10. Review status: criteria provided, single submitter. Criteria: Invitae Variant Classification Sherloc (09022015). Collection method: clinical testing. Allele origin: germline.
Comment: This sequence change replaces lysine with glutamic acid at codon 472 of the PLCG2 protein (p.Lys472Glu). The lysine residue is moderately conserved and there is a small physicochemical difference between lysine and glutamic acid. In summary, the available evidence is currently insufficient to determine the role of this variant in disease. Therefore, it has been classified as a Variant of Uncertain Significance. Algorithms developed to predict the effect of missense changes on protein structure and function (SIFT, PolyPhen-2, Align-GVGD) all suggest that this variant is likely to be tolerated, but these predictions have not been confirmed by published functional studies and their clinical significance is uncertain. This variant has not been reported in the literature in individuals with PLCG2-related conditions. This variant is not present in population databases (ExAC no frequency).